The following is an entry in ClinVar:

NM_001164508.2(NEB):c.3724G>A (p.Asp1242Asn)

Gene: NEB (nebulin; minus strand). Cytogenetic location: 2q23.3.
Variant type: single nucleotide variant.
Coding change: c.3724G>A on transcript NM_001164508.2 (MANE Select); coding-DNA position 3724, G replaced by A.
Protein change: p.Asp1242Asn; replaces aspartic acid 1242 with asparagine.
Molecular consequence: missense variant.
Genome position (GRCh38, 1-based): chr2:151,677,615, C>T on the plus strand (G>A on the coding strand, the complement: NEB is on the minus strand). VCF-style: chr2-151677615-C-T. GRCh37 (hg19) VCF-style: chr2-152534129-C-T.
Other names: c.3724G>A, p.Asp1242Asn (NM_001164507.2, NM_001271208.2, NM_004543.5); short protein forms D1242N.
Identifiers: ClinVar variation 2102531 (VCV002102531.1), dbSNP rs2552262510, ClinGen allele CA348818444.

ClinVar aggregate classification (germline): Uncertain significance (1 of 4 stars; one submission).

Conditions:
Nemaline myopathy 2 (NEM2). Also called: Nemaline myopathy 2, autosomal recessive. Identifiers: MedGen C1850569, MONDO:0009725, OMIM 256030.

Allele frequency attached by ClinVar (database versions not stated): gnomAD exomes below 0.00001.
gnomAD v4.1: 1 of 1,613,908 alleles (0.000062%); highest among the groups gnomAD compares: Non-Finnish European, 0.000085%; no homozygotes.

Submission:

Labcorp Genetics (formerly Invitae), Labcorp
Classification: Uncertain significance for Nemaline myopathy 2. Last evaluated: 2022-02-23. Review status: criteria provided, single submitter. Criteria: Invitae Variant Classification Sherloc (09022015). Collection method: clinical testing. Allele origin: germline.
Comment: This sequence change replaces aspartic acid, which is acidic and polar, with asparagine, which is neutral and polar, at codon 1242 of the NEB protein (p.Asp1242Asn). This variant is not present in population databases (gnomAD no frequency). This variant has not been reported in the literature in individuals affected with NEB-related conditions. Algorithms developed to predict the effect of missense changes on protein structure and function are either unavailable or do not agree on the potential impact of this missense change (SIFT: "Deleterious"; PolyPhen-2: "Not Available"; Align-GVGD: "Class C0"). In summary, the available evidence is currently insufficient to determine the role of this variant in disease. Therefore, it has been classified as a Variant of Uncertain Significance.